The following is an entry in ClinVar:

ClinVar aggregate classification (germline): Uncertain significance. Review status: criteria provided, multiple submitters, no conflicts (2 of 4 stars). 2 submissions from 2 submitters: Uncertain significance (2). Last evaluated 2024-06-28.

Conditions:
Agammaglobulinemia 2, autosomal recessive (AGM2). Also called: AGAMMAGLOBULINEMIA, AUTOSOMAL RECESSIVE, DUE TO IGLL1 DEFECT. Identifiers: MedGen C3150750, MONDO:0013287, OMIM 613500.

Submissions (2):

Ambry Genetics
Classification: Uncertain significance. Last evaluated: 2024-06-28. Review status: criteria provided, single submitter. Criteria: Ambry Variant Classification Scheme 2023. Collection method: clinical testing. Allele origin: germline.

Labcorp Genetics (formerly Invitae), Labcorp
Classification: Uncertain significance for Agammaglobulinemia 2, autosomal recessive. Last evaluated: 2022-12-17. Review status: criteria provided, single submitter. Criteria: Invitae Variant Classification Sherloc (09022015). Collection method: clinical testing. Allele origin: germline.
Comment: ClinVar contains an entry for this variant (Variation ID: 1426980). This variant has not been reported in the literature in individuals affected with IGLL1-related conditions. This variant is not present in population databases (gnomAD no frequency). This sequence change replaces serine, which is neutral and polar, with asparagine, which is neutral and polar, at codon 108 of the IGLL1 protein (p.Ser108Asn). Algorithms developed to predict the effect of missense changes on protein structure and function (SIFT, PolyPhen-2, Align-GVGD) all suggest that this variant is likely to be tolerated. In summary, the available evidence is currently insufficient to determine the role of this variant in disease. Therefore, it has been classified as a Variant of Uncertain Significance.

NM_020070.4(IGLL1):c.323G>A (p.Ser108Asn)

Gene: IGLL1 (immunoglobulin lambda like polypeptide 1; minus strand). Cytogenetic location: 22q11.23.
Variant type: single nucleotide variant.
Coding change: c.323G>A on transcript NM_020070.4 (MANE Select); coding-DNA position 323, G replaced by A.
Protein change: p.Ser108Asn; replaces serine 108 with asparagine.
Molecular consequence: missense variant. On other transcripts: synonymous variant (1).
Genome position (GRCh38, 1-based): chr22:23,573,585, C>T on the plus strand (G>A on the coding strand, the complement: IGLL1 is on the minus strand). VCF-style: chr22-23573585-C-T. GRCh37 (hg19) VCF-style: chr22-23915772-C-T.
Other names: c.326G>A, p.Ser109Asn (NM_001369906.1); c.207G>A, p.Arg69= (NM_152855.3); c.323G>A (NM_020070.2); short protein forms S108N, S109N.
Identifiers: ClinVar variation 1426980 (VCV001426980.9), dbSNP rs1025960361, ClinGen allele CA410899015.